The following is an entry in ClinVar:

ClinVar aggregate classification (germline): Pathogenic (1 of 4 stars; one submission).

Submission:

GeneDx
Classification: Pathogenic. Last evaluated: 2025-01-06. Review status: criteria provided, single submitter. Criteria: GeneDx Variant Classification Process June 2021. Collection method: clinical testing. Allele origin: germline. Affected: yes.
Comment: Nonsense variant predicted to result in protein truncation or nonsense mediated decay in a gene for which loss of function is a known mechanism of disease; Not observed at significant frequency in large population cohorts (gnomAD); This variant is associated with the following publications: (PMID: 25525159, 18323324, 20513143, 21436283)

NM_022124.6(CDH23):c.3367C>T (p.Gln1123Ter)

Genes: C10orf105 (chromosome 10 open reading frame 105; minus strand), CDH23 (cadherin related 23; plus strand). Cytogenetic location: 10q22.1.
Variant type: single nucleotide variant.
Coding change: c.3367C>T on transcript NM_022124.6 (MANE Select); coding-DNA position 3367, C replaced by T.
Protein change: p.Gln1123Ter; replaces glutamine 1123 with a stop codon.
Molecular consequence: nonsense. On other transcripts: 3 prime UTR variant (2).
Genome position (GRCh38, 1-based): chr10:71,712,811, C>T. VCF-style: chr10-71712811-C-T. GRCh37 (hg19) VCF-style: chr10-73472568-C-T.
Other names: c.*3125G>A (NM_001164375.3, NM_001168390.2); c.3367C>T, p.Gln1123Ter (NM_001171930.2); short protein forms Q1123*.
Identifiers: ClinVar variation 4055753 (VCV004055753.1).
Genomic context (GRCh38, chr10:71,712,811, plus strand): 5'-CTGCAGAGCAGCTATGAGGCCAGCGTCCCTGAGGACATCCCTGAAGGCCACAGCATCTTG[C>T]AGGCAGGTGGCCCGTGGCCTCTGGGGCAGGTGGTGGGCTGGGGGAGGCGGAGCCACACAC-3'